The following is an entry in ClinVar:

ClinVar aggregate classification (germline): Uncertain significance. Review status: criteria provided, multiple submitters, no conflicts (2 of 4 stars). 3 submissions from 3 submitters: Uncertain significance (3). Last evaluated 2024-05-23.

Conditions:
Exostoses, multiple, type 2 (EXT2). Also called: Hereditary Multiple Osteochondromatosis, Type II; EXOSTOSES, MULTIPLE, TYPE II. Identifiers: Orphanet 321, MedGen C1851413, MONDO:0007586, OMIM 133701.

gnomAD v4.1: 40 of 1,613,918 alleles (0.0025%); highest among the groups gnomAD compares: East Asian, 0.067%; no homozygotes.

Submissions (3):

Labcorp Genetics (formerly Invitae), Labcorp
Classification: Uncertain significance for Exostoses, multiple, type 2. Last evaluated: 2024-05-23. Review status: criteria provided, single submitter. Criteria: Invitae Variant Classification Sherloc (09022015). Collection method: clinical testing. Allele origin: germline.
Comment: This sequence change replaces arginine, which is basic and polar, with glutamine, which is neutral and polar, at codon 182 of the EXT2 protein (p.Arg182Gln). This variant is present in population databases (rs563383543, gnomAD 0.03%). This variant has not been reported in the literature in individuals affected with EXT2-related conditions. ClinVar contains an entry for this variant (Variation ID: 879930). Advanced modeling of protein sequence and biophysical properties (such as structural, functional, and spatial information, amino acid conservation, physicochemical variation, residue mobility, and thermodynamic stability) performed at Invitae indicates that this missense variant is not expected to disrupt EXT2 protein function with a negative predictive value of 80%. In summary, the available evidence is currently insufficient to determine the role of this variant in disease. Therefore, it has been classified as a Variant of Uncertain Significance.

Baylor Genetics
Classification: Uncertain significance for Exostoses, multiple, type 2. Last evaluated: 2024-03-17. Review status: criteria provided, single submitter. Criteria: ACMG Guidelines, 2015. Collection method: clinical testing. Allele origin: unknown.

Illumina Laboratory Services, Illumina
Classification: Uncertain significance for Exostoses, multiple, type 2. Last evaluated: 2017-04-27. Review status: criteria provided, single submitter. Criteria: ICSL Variant Classification Criteria 13 December 2019. Collection method: clinical testing. Allele origin: germline.

NM_207122.2(EXT2):c.545G>A (p.Arg182Gln)

Gene: EXT2 (exostosin glycosyltransferase 2; plus strand). Cytogenetic location: 11p11.2.
Variant type: single nucleotide variant.
Coding change: c.545G>A on transcript NM_207122.2 (MANE Select); coding-DNA position 545, G replaced by A.
Protein change: p.Arg182Gln; replaces arginine 182 with glutamine.
Molecular consequence: missense variant.
Genome position (GRCh38, 1-based): chr11:44,109,202, G>A. VCF-style: chr11-44109202-G-A. GRCh37 (hg19) VCF-style: chr11-44130752-G-A.
Other names: c.644G>A, p.Arg215Gln (NM_000401.3); c.545G>A, p.Arg182Gln (NM_001178083.3, NM_001389628.1, NM_001389630.1); short protein forms R182Q, R215Q.
Identifiers: ClinVar variation 879930 (VCV000879930.9), dbSNP rs563383543, ClinGen allele CA5954931.